The following is an entry in ClinVar:

NM_007078.3(LDB3):c.1232-11G>T

Gene: LDB3 (LIM domain binding 3; plus strand). Cytogenetic location: 10q23.2.
Variant type: single nucleotide variant.
Coding change: c.1232-11G>T on transcript NM_007078.3 (MANE Select); 11 bases into the intron before coding-DNA position 1232, G replaced by T.
Molecular consequence: intron variant.
Genome position (GRCh38, 1-based): chr10:86,716,316, G>T. VCF-style: chr10-86716316-G-T. GRCh37 (hg19) VCF-style: chr10-88476073-G-T.
Other names: c.1043-11G>T (NM_001368064.1, NM_001368065.1); c.1247-11G>T (NM_001171610.2); c.1091-11G>T (NM_001368066.1); c.902-11G>T (NM_001080114.2).
Identifiers: ClinVar variation 2811254 (VCV002811254.3), dbSNP rs2492806930, ClinGen allele CA2609997418.

ClinVar aggregate classification (germline): Uncertain significance (1 of 4 stars; one submission).

Conditions:
Myofibrillar myopathy 4. Also called: Zaspopathy (type). Identifiers: Orphanet 98912, MedGen C4721886, MONDO:0012277, OMIM 609452.

Allele frequency attached by ClinVar (database versions not stated): gnomAD exomes below 0.00001.
gnomAD v4.1: 1 of 1,610,966 alleles (0.000062%); highest among the groups gnomAD compares: Non-Finnish European, 0.000085%; no homozygotes.

Submission:

Labcorp Genetics (formerly Invitae), Labcorp
Classification: Uncertain significance for Myofibrillar myopathy 4. Last evaluated: 2022-11-16. Review status: criteria provided, single submitter. Criteria: Invitae Variant Classification Sherloc (09022015). Collection method: clinical testing. Allele origin: germline.
Comment: In summary, the available evidence is currently insufficient to determine the role of this variant in disease. Therefore, it has been classified as a Variant of Uncertain Significance. Experimental studies and prediction algorithms are not available or were not evaluated, and the effect of this variant on mRNA splicing is currently unknown. This variant has not been reported in the literature in individuals affected with LDB3-related conditions. This variant is not present in population databases (gnomAD no frequency). This sequence change falls in intron 9 of the LDB3 gene. It does not directly change the encoded amino acid sequence of the LDB3 protein. The LDB3 gene has multiple clinically relevant transcripts. This variant occurs in alternate transcript NM_007078.3, and corresponds to NM_001080116.1:c.*16942G>T in the primary transcript.